The following is an entry in ClinVar:

ClinVar aggregate classification (germline): Pathogenic/Likely pathogenic. Review status: criteria provided, multiple submitters, no conflicts (2 of 4 stars). 3 submissions from 3 submitters: Pathogenic (1); Likely pathogenic (2). Last evaluated 2021-04-25.

Conditions:
Niemann-Pick disease, type A. Also called: Infantile Neurovisceral ASMD (Niemann-Pick Disease Type A; NPD-A); SPHINGOMYELIN LIPIDOSIS; SPHINGOMYELINASE DEFICIENCY. Identifiers: Orphanet 77292, MedGen C0268242, MONDO:0009756, OMIM 257200. Disease mechanism: loss of function.

Allele frequency attached by ClinVar (database versions not stated): gnomAD exomes below 0.00001; ExAC 0.00001.

Submissions (3):

Diagnostics Division, CENTRE FOR DNA FINGERPRINTING AND DIAGNOSTICS
Classification: Pathogenic for Niemann-Pick disease, type A. Last evaluated: 2021-04-25. Review status: criteria provided, single submitter. Criteria: ACMG Guidelines, 2015. Collection method: research. Allele origin: germline. Affected: yes. Observed: 1 variant allele.

Baylor Genetics
Classification: Likely pathogenic for Niemann-Pick disease, type A. Review status: criteria provided, single submitter. Criteria: ACMG Guidelines, 2015. Collection method: clinical testing. Allele origin: germline.

Neuberg Centre For Genomic Medicine, NCGM
Classification: Likely pathogenic for Niemann-Pick disease, type A. Review status: criteria provided, single submitter. Criteria: ACMG Guidelines, 2015. Collection method: clinical testing. Allele origin: germline. Affected: yes.
Comment: The frameshift duplication p.H169Pfs*24 in SMPD1 (NM_000543.5) has been reported to ClinVar as Likely Pathogenic. The p.H169Pfs*24 variant is observed in 1/30,440 (0.0033%) alleles from individuals of South Asian background in gnomAD Exomes and is novel (not in any individuals) in 1000 Genomes. This variant is predicted to cause loss of normal protein function through protein truncation. Loss of function variants have been reported to be disease causing. For these reasons, this variant has been classified as Likely Pathogenic

NM_000543.5(SMPD1):c.505dup (p.His169fs)

Gene: SMPD1 (sphingomyelin phosphodiesterase 1; plus strand). Cytogenetic location: 11p15.4.
Variant type: Duplication.
Coding change: c.505dup on transcript NM_000543.5 (MANE Select); coding-DNA position 505, one base duplicated (C; older notation c.505dupC).
Protein change: p.His169fs; shifts the reading frame from histidine 169.
Molecular consequence: frameshift variant. On other transcripts: 5 prime UTR variant (1), non-coding transcript variant (1).
Genome position (GRCh38, 1-based): chr11:6,391,570, C duplicated. VCF-style (leftmost placement, unchanged base first): chr11-6391569-G-GC. GRCh37 (hg19) VCF-style: chr11-6412799-G-GC.
Other names: c.502dup, p.His168fs (NM_001007593.3); c.505dup, p.His169fs (NM_001318087.2, NM_001365135.2); c.-457dup (NM_001318088.2); short protein forms H168fs, H169fs.
Identifiers: ClinVar variation 813475 (VCV000813475.4), dbSNP rs781535659, ClinGen allele CA5852615.